The following is an entry in ClinVar:

NM_006058.5(TNIP1):c.657C>T (p.Asn219=)

Gene: TNIP1 (TNFAIP3 interacting protein 1; minus strand). Cytogenetic location: 5q33.1.
Variant type: single nucleotide variant.
Coding change: c.657C>T on transcript NM_006058.5 (MANE Select); coding-DNA position 657, C replaced by T.
Protein change: p.Asn219=; no amino-acid change (asparagine 219 retained).
Molecular consequence: synonymous variant.
Genome position (GRCh38, 1-based): chr5:151,052,230, G>A on the plus strand (C>T on the coding strand, the complement: TNIP1 is on the minus strand). VCF-style: chr5-151052230-G-A. GRCh37 (hg19) VCF-style: chr5-150431791-G-A.
Other names: c.657C>T, p.Asn219= (NM_001252385.2, NM_001252390.2, NM_001252391.2 and 12 more transcripts); c.498C>T, p.Asn166= (NM_001252386.2, NM_001364486.2, NM_001437736.1 and 6 more transcripts); c.420C>T, p.Asn140= (NM_001437739.1).
Identifiers: ClinVar variation 4821918 (VCV004821918.4).

ClinVar aggregate classification (germline): Likely benign (1 of 4 stars; one submission).

gnomAD v4.1: 44 of 1,613,914 alleles (0.0027%); highest among the groups gnomAD compares: South Asian, 0.032%; 1 homozygote.

Submission:

CeGaT Center for Human Genetics Tuebingen
Classification: Likely benign. Last evaluated: 2026-01-01. Review status: criteria provided, single submitter. Criteria: CeGaT Center For Human Genetics Tuebingen Variant Classification Criteria Version 2. Collection method: clinical testing. Allele origin: germline. Affected: yes. Observed: 1 variant allele.
Comment: TNIP1: BP4, BP7